The following is an entry in ClinVar:

ClinVar aggregate classification (germline): Uncertain significance (1 of 4 stars; one submission).

Conditions:
Cardiovascular phenotype. Identifiers: MedGen CN230736.

Submission:

Ambry Genetics
Classification: Uncertain significance for Cardiovascular phenotype. Last evaluated: 2019-04-19. Review status: criteria provided, single submitter. Criteria: Ambry Variant Classification Scheme 2023. Collection method: clinical testing. Allele origin: germline.
Comment: The p.E3837D variant (also known as c.11511G>C), located in coding exon 44 of the TTN gene, results from a G to C substitution at nucleotide position 11511. The glutamic acid at codon 3837 is replaced by aspartic acid, an amino acid with highly similar properties. This amino acid position is not well conserved in available vertebrate species, and aspartic acid is the reference amino acid in other vertebrate species. In addition, this alteration is predicted to be tolerated by in silico analysis. Since supporting evidence is limited at this time, the clinical significance of this alteration remains unclear.

NM_001267550.2(TTN):c.12600G>C (p.Glu4200Asp)

Gene: TTN (titin; minus strand). Cytogenetic location: 2q31.2.
Variant type: single nucleotide variant.
Coding change: c.12600G>C on transcript NM_001267550.2 (MANE Select); coding-DNA position 12600, G replaced by C.
Protein change: p.Glu4200Asp; replaces glutamic acid 4200 with aspartic acid.
Molecular consequence: missense variant. On other transcripts: intron variant (1).
Genome position (GRCh38, 1-based): chr2:178,740,633, C>G on the plus strand (G>C on the coding strand, the complement: TTN is on the minus strand). VCF-style: chr2-178740633-C-G. GRCh37 (hg19) VCF-style: chr2-179605360-C-G.
Other names: c.11649G>C, p.Glu3883Asp (NM_001256850.1); c.11511G>C, p.Glu3837Asp (NM_003319.4); c.11886G>C, p.Glu3962Asp (NM_133432.3); c.12087G>C, p.Glu4029Asp (NM_133437.4); c.10361-2273G>C (NM_133378.4); short protein forms E3837D, E3883D, E4029D, E4200D, E3962D.
Identifiers: ClinVar variation 1734062 (VCV001734062.2), dbSNP rs1028167182, ClinGen allele CA349614136.